The following is an entry in ClinVar:

ClinVar aggregate classification (germline): Uncertain significance (1 of 4 stars; one submission).

Conditions:
Nemaline myopathy 8 (NEM8). Also called: Nemaline myopathy 8, autosomal recessive. Identifiers: Orphanet 171430, MedGen C3809209, MONDO:0014138, OMIM 615348.

Allele frequency attached by ClinVar (database versions not stated): gnomAD exomes below 0.00001; gnomAD 0.00001; TOPMed 0.00002.
gnomAD v4.1: 6 of 1,613,896 alleles (0.00037%); highest among the groups gnomAD compares: Admixed American, 0.01%; no homozygotes.

Submission:

Labcorp Genetics (formerly Invitae), Labcorp
Classification: Uncertain significance for Nemaline myopathy 8. Last evaluated: 2022-06-10. Review status: criteria provided, single submitter. Criteria: Invitae Variant Classification Sherloc (09022015). Collection method: clinical testing. Allele origin: germline.
Comment: This variant is present in population databases (no rsID available, gnomAD 0.003%). This sequence change replaces aspartic acid, which is acidic and polar, with glutamic acid, which is acidic and polar, at codon 295 of the KLHL40 protein (p.Asp295Glu). In summary, the available evidence is currently insufficient to determine the role of this variant in disease. Therefore, it has been classified as a Variant of Uncertain Significance. Algorithms developed to predict the effect of missense changes on protein structure and function output the following: SIFT: "Tolerated"; PolyPhen-2: "Benign"; Align-GVGD: "Class C0". The glutamic acid amino acid residue is found in multiple mammalian species, which suggests that this missense change does not adversely affect protein function. ClinVar contains an entry for this variant (Variation ID: 1010159). This variant has not been reported in the literature in individuals affected with KLHL40-related conditions.

NM_152393.4(KLHL40):c.885T>G (p.Asp295Glu)

Gene: KLHL40 (kelch like family member 40; plus strand). Cytogenetic location: 3p22.1.
Variant type: single nucleotide variant.
Coding change: c.885T>G on transcript NM_152393.4 (MANE Select); coding-DNA position 885, T replaced by G.
Protein change: p.Asp295Glu; replaces aspartic acid 295 with glutamic acid.
Molecular consequence: missense variant.
Genome position (GRCh38, 1-based): chr3:42,686,503, T>G. VCF-style: chr3-42686503-T-G. GRCh37 (hg19) VCF-style: chr3-42727995-T-G.
Other names: short protein forms D295E.
Identifiers: ClinVar variation 1010159 (VCV001010159.5), dbSNP rs1229392663, ClinGen allele CA352291516.